The following is an entry in ClinVar:

ClinVar aggregate classification (germline): Pathogenic (1 of 4 stars; one submission).

Conditions:
Seizures, benign familial infantile, 3 (BFIS3). Also called: CONVULSIONS, BENIGN FAMILIAL INFANTILE, 3; Familial neonatal seizures. Identifiers: Orphanet 140927, Orphanet 306, MedGen C1843140, MONDO:0011904, OMIM 607745.
Developmental and epileptic encephalopathy, 11 (DEE11). Also called: Early infantile epileptic encephalopathy 11. Identifiers: Orphanet 1934, MedGen C3150987, MONDO:0013388, OMIM 613721.

Submission:

Labcorp Genetics (formerly Invitae), Labcorp
Classification: Pathogenic for Seizures, benign familial infantile, 3; Developmental and epileptic encephalopathy, 11. Last evaluated: 2022-10-27. Review status: criteria provided, single submitter. Criteria: Invitae Variant Classification Sherloc (09022015). Collection method: clinical testing. Allele origin: germline.
Comment: For these reasons, this variant has been classified as Pathogenic. Algorithms developed to predict the effect of sequence changes on RNA splicing suggest that this variant may disrupt the consensus splice site. This variant has not been reported in the literature in individuals affected with SCN2A-related conditions. This variant is not present in population databases (gnomAD no frequency). This sequence change creates a premature translational stop signal (p.Gly904Valfs*30) in the SCN2A gene. It is expected to result in an absent or disrupted protein product. Loss-of-function variants in SCN2A are known to be pathogenic (PMID: 28379373).

Literature cited by the submitters: PubMed 28379373.

NM_001040142.2(SCN2A):c.2711del (p.Gly904fs)

Gene: SCN2A (sodium voltage-gated channel alpha subunit 2; plus strand). Cytogenetic location: 2q24.3.
Variant type: Deletion.
Coding change: c.2711del on transcript NM_001040142.2 (MANE Select); coding-DNA position 2711, one base deleted (G; older notation c.2711delG).
Protein change: p.Gly904fs; shifts the reading frame from glycine 904.
Molecular consequence: frameshift variant.
Genome position (GRCh38, 1-based): chr2:165,344,703, G deleted; the last of 2 consecutive G bases (chr2:165,344,702-165,344,703); deleting either gives the same sequence. VCF-style (leftmost placement, unchanged base first): chr2-165344701-TG-T. GRCh37 (hg19) VCF-style: chr2-166201211-TG-T.
Other names: c.2711del, p.Gly904fs (NM_001040143.2, NM_001371246.1, NM_001371247.1 and 1 more transcripts); short protein forms G904fs.
Identifiers: ClinVar variation 2036803 (VCV002036803.4), dbSNP rs2468007693, ClinGen allele CA2580064227.
Genomic context (GRCh38, chr2:165,344,701, plus strand): 5'-CCTCACCTTGGTATTGGCCATCATCGTCTTCATTTTTGCTGTGGTCGGCATGCAGCTCTT[TG>T]GTAAGAGCTACAAAGAATGTGTCTGCAAGATTTCCAATGATTGTGAACTCCCACGCTGGC-3'